The following is an entry in ClinVar:

NM_130468.4(CHST14):c.637C>T (p.Arg213Trp)

Gene: CHST14 (carbohydrate sulfotransferase 14; plus strand). Cytogenetic location: 15q15.1.
Variant type: single nucleotide variant.
Coding change: c.637C>T on transcript NM_130468.4 (MANE Select); coding-DNA position 637, C replaced by T.
Protein change: p.Arg213Trp; replaces arginine 213 with tryptophan.
Molecular consequence: missense variant.
Genome position (GRCh38, 1-based): chr15:40,471,850, C>T. VCF-style: chr15-40471850-C-T. GRCh37 (hg19) VCF-style: chr15-40764049-C-T.
Other names: short protein forms R213W.
Identifiers: ClinVar variation 1028547 (VCV001028547.1), dbSNP rs1894353511, ClinGen allele CA391766505.

ClinVar aggregate classification (germline): Uncertain significance (1 of 4 stars; one submission).

Conditions:
Ehlers-Danlos syndrome, musculocontractural type 1. Identifiers: MedGen CN295219, MONDO:0020681, OMIM 601776.

Submission:

Baylor Genetics
Classification: Uncertain significance for Ehlers-Danlos syndrome, musculocontractural type 1. Last evaluated: 2020-06-22. Review status: criteria provided, single submitter. Criteria: ACMG Guidelines, 2015. Collection method: clinical testing. Allele origin: unknown. Affected: yes.
Comment: This variant was determined to be of uncertain significance according to ACMG Guidelines, 2015 [PMID:25741868].